The following is an entry in ClinVar:

NM_032043.3(BRIP1):c.598G>A (p.Glu200Lys)

Gene: BRIP1 (BRCA1 interacting DNA helicase 1; minus strand). Cytogenetic location: 17q23.2.
Variant type: single nucleotide variant.
Coding change: c.598G>A on transcript NM_032043.3 (MANE Select); coding-DNA position 598, G replaced by A.
Protein change: p.Glu200Lys; replaces glutamic acid 200 with lysine.
Molecular consequence: missense variant.
Genome position (GRCh38, 1-based): chr17:61,847,130, C>T on the plus strand (G>A on the coding strand, the complement: BRIP1 is on the minus strand). VCF-style: chr17-61847130-C-T. GRCh37 (hg19) VCF-style: chr17-59924491-C-T.
Other names: short protein forms E200K.
Identifiers: ClinVar variation 918584 (VCV000918584.11), dbSNP rs2078746295, ClinGen allele CA400482923.
Genomic context (GRCh38, chr17:61,847,130, plus strand): 5'-TTTAAAACTGAACAATGGCATTAATACATACTTTCTGTGGCGAAAAGGAGTTTATCTTTT[C>T]CAGTGGAGAGTTGAGTTTTACAGTCTTTCCTGAATCAACTTTTGCATCCAAATTGTGTAC-3'
Protein context (NP_114432.2, residues 190-210): GKTVKLNSPL[Glu200Lys]KINSFSPQKP

ClinVar aggregate classification (germline): Uncertain significance. Review status: criteria provided, multiple submitters, no conflicts (2 of 4 stars). 3 submissions from 3 submitters: Uncertain significance (3). Last evaluated 2024-03-07.

Conditions:
Hereditary cancer-predisposing syndrome. Also called: Hereditary Cancer Syndrome; Hereditary neoplastic syndrome; Neoplastic Syndromes, Hereditary; Tumor predisposition. Identifiers: Orphanet 140162, MedGen C0027672, MeSH D009386, MONDO:0015356.
Familial cancer of breast. Also called: hereditary breast carcinoma; BREAST CANCER, FAMILIAL; Hereditary breast cancer. Identifiers: Orphanet 227535, MedGen C0346153, MONDO:0016419, OMIM 114480. Disease mechanism: loss of function.
Fanconi anemia complementation group J. Also called: BRIP1-Related Fanconi Anemia. Identifiers: Orphanet 84, MedGen C1836860, MONDO:0012187, OMIM 609054.

Submissions (3):

Color Diagnostics, LLC DBA Color Health
Classification: Uncertain significance for Hereditary cancer-predisposing syndrome. Last evaluated: 2024-03-07. Review status: criteria provided, single submitter. Criteria: ACMG Guidelines, 2015. Collection method: clinical testing. Allele origin: germline.
Comment: This missense variant replaces glutamic acid with lysine at codon 200 of the BRIP1 protein. Computational prediction suggests that this variant may not impact protein structure and function (internally defined REVEL score threshold <= 0.5, PMID: 27666373). Splice site prediction tools suggest that this variant may not impact RNA splicing. To our knowledge, functional studies have not been performed for this variant. This variant has not been reported in individuals affected with hereditary cancer in the literature. This variant has not been identified in the general population by the Genome Aggregation Database (gnomAD). The available evidence is insufficient to determine the role of this variant in disease conclusively. Therefore, this variant is classified as a Variant of Uncertain Significance.

Labcorp Genetics (formerly Invitae), Labcorp
Classification: Uncertain significance for Familial cancer of breast; Fanconi anemia complementation group J. Last evaluated: 2022-09-12. Review status: criteria provided, single submitter. Criteria: Invitae Variant Classification Sherloc (09022015). Collection method: clinical testing. Allele origin: germline.
Comment: This variant is not present in population databases (gnomAD no frequency). In summary, the available evidence is currently insufficient to determine the role of this variant in disease. Therefore, it has been classified as a Variant of Uncertain Significance. Advanced modeling of protein sequence and biophysical properties (such as structural, functional, and spatial information, amino acid conservation, physicochemical variation, residue mobility, and thermodynamic stability) performed at Invitae indicates that this missense variant is not expected to disrupt BRIP1 protein function. ClinVar contains an entry for this variant (Variation ID: 918584). This variant has not been reported in the literature in individuals affected with BRIP1-related conditions. This sequence change replaces glutamic acid, which is acidic and polar, with lysine, which is basic and polar, at codon 200 of the BRIP1 protein (p.Glu200Lys).

Ambry Genetics
Classification: Uncertain significance for Hereditary cancer-predisposing syndrome. Last evaluated: 2022-05-16. Review status: criteria provided, single submitter. Criteria: Ambry Variant Classification Scheme 2023. Collection method: clinical testing. Allele origin: germline.
Comment: The p.E200K variant (also known as c.598G>A), located in coding exon 5 of the BRIP1 gene, results from a G to A substitution at nucleotide position 598. The glutamic acid at codon 200 is replaced by lysine, an amino acid with similar properties. This amino acid position is conserved. In addition, this alteration is predicted to be tolerated by in silico analysis. Since supporting evidence is limited at this time, the clinical significance of this alteration remains unclear.